The following is an entry in ClinVar:

ClinVar aggregate classification (germline): Likely benign. Review status: criteria provided, multiple submitters, no conflicts (2 of 4 stars). 3 submissions from 3 submitters: Likely benign (2). 1 of the submissions does not count toward it. Last evaluated 2025-11-02.

Conditions:
SEC24D-related disorder. Also called: SEC24D-related condition.

Allele frequency attached by ClinVar (database versions not stated): gnomAD exomes 0.00008 and 0.00016; ExAC 0.00021; 1000 Genomes Project 30x 0.00031; 1000 Genomes Project 0.00040; gnomAD 0.00047 and 0.00051; TOPMed 0.00049; ESP Exome Variant Server 0.00069.

Submissions (3):

Labcorp Genetics (formerly Invitae), Labcorp
Classification: Likely benign. Last evaluated: 2025-11-02. Review status: criteria provided, single submitter. Criteria: Invitae Variant Classification Sherloc (09022015). Collection method: clinical testing. Allele origin: germline.

GeneDx
Classification: Likely benign. Last evaluated: 2019-02-21. Review status: criteria provided, single submitter. Criteria: GeneDx Variant Classification Process June 2021. Collection method: clinical testing. Allele origin: germline. Affected: yes.

PreventionGenetics, part of Exact Sciences
Classification: Likely benign for SEC24D-related condition. Last evaluated: 2023-09-11. Review status: no assertion criteria provided. Collection method: clinical testing. Allele origin: germline. Not counted in ClinVar's aggregate classification.
Comment: This variant is classified as likely benign based on ACMG/AMP sequence variant interpretation guidelines (Richards et al. 2015 PMID: 25741868, with internal and published modifications).

NM_014822.4(SEC24D):c.1929C>T (p.Asp643=)

Gene: SEC24D (SEC24 homolog D, COPII component; minus strand). Cytogenetic location: 4q26.
Variant type: single nucleotide variant.
Coding change: c.1929C>T on transcript NM_014822.4 (MANE Select); coding-DNA position 1929, C replaced by T.
Protein change: p.Asp643=; no amino-acid change (aspartic acid 643 retained).
Molecular consequence: synonymous variant.
Genome position (GRCh38, 1-based): chr4:118,744,054, G>A on the plus strand (C>T on the coding strand, the complement: SEC24D is on the minus strand). VCF-style: chr4-118744054-G-A. GRCh37 (hg19) VCF-style: chr4-119665209-G-A.
Other names: c.1932C>T, p.Asp644= (NM_001318066.2).
Identifiers: ClinVar variation 718049 (VCV000718049.12), dbSNP rs112206247, ClinGen allele CA3057114.